The following is an entry in ClinVar:

NM_001009944.3(PKD1):c.1707_1722+12dup

Gene: PKD1 (polycystin 1, transient receptor potential channel interacting; minus strand). Cytogenetic location: 16p13.3.
Variant type: Duplication.
Coding change: c.1707_1722+12dup on transcript NM_001009944.3 (MANE Select); coding-DNA position 1707 through 12 bases into the intron after coding-DNA position 1722, 28 bases duplicated (GCACGAGCCCGTGGAGGTAGTCGGCCCC).
Molecular consequence: splice donor variant.
Genome position (GRCh38, 1-based): chr16:2,116,517-2,116,544, GGGGCCGACTACCTCCACGGGCTCGTGC duplicated on the plus strand (GCACGAGCCCGTGGAGGTAGTCGGCCCC on the coding strand, the reverse complement: PKD1 is on the minus strand); duplicating any 28 consecutive bases within chr16:2,116,517-2,116,549 gives the same sequence; the c. name uses the placement nearest the transcript's 3' end. VCF-style (leftmost placement, unchanged base first): chr16-2116516-G-GGGGGCCGACTACCTCCACGGGCTCGTGC. GRCh37 (hg19) VCF-style: chr16-2166517-G-GGGGGCCGACTACCTCCACGGGCTCGTGC.
Other names: c.1707_1722+12dup (NM_000296.4).
Identifiers: ClinVar variation 3907693 (VCV003907693.1).

ClinVar aggregate classification (germline): Uncertain significance (1 of 4 stars; one submission).

Conditions:
Polycystic kidney disease, adult type (PKD1). Also called: Polycystic Kidney Disease 1, Autosomal Dominant; Polycystic kidney disease 1; Polycystic kidney disease 1, severe; Polycystic Kidney, Autosomal Dominant; POLYCYSTIC KIDNEY DISEASE 1 WITH OR WITHOUT POLYCYSTIC LIVER DISEASE; POLYCYSTIC KIDNEY DISEASE, ADULT, TYPE I. Identifiers: MedGen C3149841, MONDO:0008263, OMIM 173900.

Submission:

MVZ Medizinische Genetik Mainz
Classification: Uncertain significance for Polycystic kidney disease, adult type. Last evaluated: 2025-05-14. Review status: criteria provided, single submitter. Criteria: UK Practice Guidelines For Variant Classification V4 01 2020. Collection method: clinical testing. Allele origin: germline. Inheritance: Autosomal dominant inheritance. Affected: yes. Observed: 1 variant allele.
Comment: ACMG Criteria: PM2_SUP,PP3